The following is an entry in ClinVar:

ClinVar aggregate classification (germline): Uncertain significance (1 of 4 stars; one submission).

Conditions:
Hereditary cancer-predisposing syndrome. Also called: Hereditary Cancer Syndrome; Hereditary neoplastic syndrome; Neoplastic Syndromes, Hereditary; Tumor predisposition. Identifiers: Orphanet 140162, MedGen C0027672, MeSH D009386, MONDO:0015356.

Submission:

Ambry Genetics
Classification: Uncertain significance for Hereditary cancer-predisposing syndrome. Last evaluated: 2025-07-24. Review status: criteria provided, single submitter. Criteria: Ambry Variant Classification Scheme 2023. Collection method: clinical testing. Allele origin: germline.
Comment: The p.A330T variant (also known as c.988G>A), located in coding exon 10 of the NF2 gene, results from a G to A substitution at nucleotide position 988. The alanine at codon 330 is replaced by threonine, an amino acid with similar properties. This amino acid position is highly conserved in available vertebrate species. In addition, the in silico prediction for this alteration is inconclusive. Based on the available evidence, the clinical significance of this variant remains unclear.

NM_000268.4(NF2):c.988G>A (p.Ala330Thr)

Gene: NF2 (NF2, moesin-ezrin-radixin like (MERLIN) tumor suppressor; plus strand). Cytogenetic location: 22q12.2.
Variant type: single nucleotide variant.
Coding change: c.988G>A on transcript NM_000268.4 (MANE Select); coding-DNA position 988, G replaced by A.
Protein change: p.Ala330Thr; replaces alanine 330 with threonine.
Molecular consequence: missense variant. On other transcripts: non-coding transcript variant (1), intron variant (1).
Genome position (GRCh38, 1-based): chr22:29,668,435, G>A. VCF-style: chr22-29668435-G-A. GRCh37 (hg19) VCF-style: chr22-30064424-G-A.
Other names: c.988G>A, p.Ala330Thr (NM_181825.3, NM_181832.3, NM_001407060.1 and 2 more transcripts); c.862G>A, p.Ala288Thr (NM_181828.3, NM_001407055.1); c.865G>A, p.Ala289Thr (NM_181829.3, NM_001407054.1, NM_001407058.1); c.739G>A, p.Ala247Thr (NM_181830.3, NM_181831.3, NM_001407063.1 and 1 more transcripts); c.874G>A, p.Ala292Thr (NM_001407053.1, NM_001407056.1); c.853G>A, p.Ala285Thr (NM_001407057.1, NM_001407059.1); c.730G>A, p.Ala244Thr (NM_001407062.1); c.454G>A, p.Ala152Thr (NM_001407065.1); and 2 more; short protein forms A152T, A247T, A253T, A288T, A285T, A289T, A292T, A330T.
Identifiers: ClinVar variation 1768500 (VCV001768500.3), dbSNP rs2147053169, ClinGen allele CA411146150.
Genomic context (GRCh38, chr22:29,668,435, plus strand): 5'-AGAAGGAAAGCCGATTCTTTGGAAGTTCAGCAGATGAAAGCCCAGGCCAGGGAGGAGAAG[G>A]CTAGAAAGCAGGTGAGCACAACCTTGTTTTAACTGATGATGTCACTGTGTGGTCAGTCCT-3'
Protein context (NP_000259.1, residues 320-340): QMKAQAREEK[Ala330Thr]RKQMERQRLA